The following is an entry in ClinVar:

ClinVar aggregate classification (germline): Conflicting classifications of pathogenicity. Review status: criteria provided, conflicting classifications (1 of 4 stars). 4 submissions from 4 submitters: Likely pathogenic (1); Uncertain significance (3). Last evaluated 2024-08-20.

Conditions:
Familial isolated arrhythmogenic right ventricular dysplasia. Identifiers: Orphanet 217656, MedGen C4274968, MONDO:0016342.
DSC2-related disorders.
Cardiovascular phenotype. Identifiers: MedGen CN230736.
Arrhythmogenic right ventricular dysplasia 11. Also called: Arrhythmogenic Right Ventricular Dysplasia/Cardiomyopathy11; Arrhythmogenic right ventricular dysplasia 11 with mild palmoplantar keratoderma and woolly hair; ARRHYTHMOGENIC RIGHT VENTRICULAR DYSPLASIA, FAMILIAL, 11. Identifiers: MedGen C1864850, MONDO:0012506, OMIM 610476.

Allele frequency attached by ClinVar (database versions not stated): gnomAD 0.00001; gnomAD exomes 0.00001 and 0.00002; ExAC 0.00002; 1000 Genomes Project 0.00020.
gnomAD v4.1: 15 of 1,614,120 alleles (0.00093%); highest among the groups gnomAD compares: South Asian, 0.0044%; no homozygotes.

Submissions (4):

Ambry Genetics
Classification: Uncertain significance for Cardiovascular phenotype. Last evaluated: 2024-08-20. Review status: criteria provided, single submitter. Criteria: Ambry Variant Classification Scheme 2023. Collection method: clinical testing. Allele origin: germline.
Comment: The p.T275M variant (also known as c.824C>T), located in coding exon 7 of the DSC2 gene, results from a C to T substitution at nucleotide position 824. The threonine at codon 275 is replaced by methionine, an amino acid with similar properties. This variant was detected in the homozygous state in proband with arrhythmogenic right ventricular cardiomyopathy; however, relatives who were heterozygous for this variant were unaffected (Gehmlich K et al. Cardiovasc Res, 2011 Apr;90:77-87). Functional studies suggest this variant may have some impact on protein function or localization; however, additional evidence is needed to confirm this finding (Gehmlich K et al. Cardiovasc Res, 2011 Apr;90:77-87). This amino acid position is highly conserved in available vertebrate species. In addition, this alteration is predicted to be deleterious by in silico analysis. Based on the available evidence, the clinical significance of this variant remains unclear.

Labcorp Genetics (formerly Invitae), Labcorp
Classification: Uncertain significance for Arrhythmogenic right ventricular dysplasia 11. Last evaluated: 2024-05-29. Review status: criteria provided, single submitter. Criteria: Invitae Variant Classification Sherloc (09022015). Collection method: clinical testing. Allele origin: germline.
Comment: This sequence change replaces threonine, which is neutral and polar, with methionine, which is neutral and non-polar, at codon 275 of the DSC2 protein (p.Thr275Met). This variant is present in population databases (rs397517404, gnomAD 0.006%). This missense change has been observed in individual(s) with clinical features of DSC2-related conditions (PMID: 21062920, 31024045). ClinVar contains an entry for this variant (Variation ID: 222557). Advanced modeling of protein sequence and biophysical properties (such as structural, functional, and spatial information, amino acid conservation, physicochemical variation, residue mobility, and thermodynamic stability) performed at Invitae indicates that this missense variant is expected to disrupt DSC2 protein function with a positive predictive value of 80%. Experimental studies have shown that this missense change affects DSC2 function (PMID: 21062920). In summary, the available evidence is currently insufficient to determine the role of this variant in disease. Therefore, it has been classified as a Variant of Uncertain Significance.

All of Us Research Program, National Institutes of Health
Classification: Uncertain significance for Familial isolated arrhythmogenic right ventricular dysplasia. Last evaluated: 2023-10-02. Review status: criteria provided, single submitter. Criteria: ACMG Guidelines, 2015. Collection method: clinical testing. Allele origin: germline. Inheritance: Autosomal dominant inheritance. Observed: 1 variant allele, 1 heterozygote.
Comment: This missense variant replaces threonine with methionine at codon 275 of the DSC2 protein. Computational prediction suggests that this variant may not impact protein structure and function (internally defined REVEL score threshold <= 0.5, PMID: 27666373). A functional study has shown that the variant impairs proteolytic cleavage and pro-protein processing into a mature form (PMID: 21062920). This variant has been reported in homozygosity in an individual affected with arrhythmogenic right ventricular cardiomyopathy and in heterozygosity in her daughter with possible arrhythmogenic right ventricular cardiomyopathy (PMID: 21062920), as well as in an individual who experienced sudden unexplained death with epilepsy (PMID: 31024045). This variant has been identified in 4/251334 chromosomes in the general population by the Genome Aggregation Database (gnomAD). The available evidence is insufficient to determine the role of this variant in disease conclusively. Therefore, this variant is classified as a Variant of Uncertain Significance.

This study involves interpretation of variants in research participants for the purpose of population health screening. Participant phenotype was not available at the time of variant classification. Additional details can be found in publication PMID: 35346344, PMCID: PMC8962531

Blueprint Genetics
Classification: Likely pathogenic for DSC2-related disorders. Last evaluated: 2023-03-20. Review status: criteria provided, single submitter. Criteria: ACMG Guidelines, 2015. Collection method: clinical testing. Allele origin: germline. Affected: yes. Observed: 2 variant alleles.

Literature cited by the submitters: PubMed 21062920 (cited by 3 submitters); PubMed 25825460 (cited by Ambry Genetics); PubMed 31024045 (cited by Labcorp Genetics (formerly Invitae), Labcorp and All of Us Research Program, National Institutes of Health).

NM_024422.6(DSC2):c.824C>T (p.Thr275Met)

Gene: DSC2 (desmocollin 2; minus strand). Cytogenetic location: 18q12.1.
Variant type: single nucleotide variant.
Coding change: c.824C>T on transcript NM_024422.6 (MANE Select); coding-DNA position 824, C replaced by T.
Protein change: p.Thr275Met; replaces threonine 275 with methionine.
Molecular consequence: missense variant.
Genome position (GRCh38, 1-based): chr18:31,086,694, G>A on the plus strand (C>T on the coding strand, the complement: DSC2 is on the minus strand). VCF-style: chr18-31086694-G-A. GRCh37 (hg19) VCF-style: chr18-28666657-G-A.
Other names: c.824C>T, p.Thr275Met (NM_004949.5); short protein forms T275M.
Identifiers: ClinVar variation 222557 (VCV000222557.11), dbSNP rs397517404, ClinGen allele CA040141.